The following is an entry in ClinVar:

ClinVar aggregate classification (germline): Conflicting classifications of pathogenicity. Review status: criteria provided, conflicting classifications (1 of 4 stars). 4 submissions from 4 submitters: Likely pathogenic (3); Uncertain significance (1). Last evaluated 2025-04-23.

Conditions:
Glycogen storage disease, type IV (GSD4). Also called: AMYLOPECTINOSIS; ANDERSEN DISEASE; BRANCHER DEFICIENCY; CIRRHOSIS, FAMILIAL, WITH DEPOSITION OF ABNORMAL GLYCOGEN; GBE1 DEFICIENCY; GLYCOGEN BRANCHING ENZYME DEFICIENCY. Identifiers: Orphanet 367, MedGen C0017923, MONDO:0009292, OMIM 232500.
Glycogen storage disease IV, classic hepatic. Also called: GSD IV, CLASSIC HEPATIC. Identifiers: MedGen C1856301.
GBE1-related disorder. Also called: GBE1-related disorders; GBE1-related condition. Identifiers: MedGen CN239402.

Allele frequency attached by ClinVar (database versions not stated): gnomAD 0.00001; gnomAD exomes 0.00001.
gnomAD v4.1: 15 of 1,608,438 alleles (0.00093%); highest among the groups gnomAD compares: African/African-American, 0.0013%; no homozygotes.

Submissions (4):

Broad Center for Mendelian Genomics, Broad Institute of MIT and Harvard
Classification: Uncertain significance for Glycogen storage disease, type IV. Last evaluated: 2025-04-23. Review status: criteria provided, single submitter. Criteria: ACMG Guidelines, 2015. Collection method: curation. Allele origin: germline. Inheritance: Autosomal recessive inheritance.
Comment: The c.1934+2T>C variant in GBE1 has not been previously reported in the literature in individuals with GBE1-related disorders but has been identified in 0.001% (1/74336) of African/African American chromosomes by the Genome Aggregation Database (gnomAD; dbSNP ID: rs752625236). Although this variant has been seen in the general population in a heterozygous state, its frequency is low enough to be consistent with a recessive carrier frequency. This variant has also been reported in ClinVar (VCV001923913.6) and has been interpreted as likely pathogenic by Baylor Genetics and Labcorp Genetics. This variant is located in the 3' splice region. Computational tools predict a splicing impact, though this information is not predictive enough to determine pathogenicity. Loss of function of the GBE1 gene is an established disease mechanism in autosomal recessive GBE1-related disorders. In summary, although additional studies are required to fully establish its clinical significance, this variant is likely pathogenic for autosomal recessive GBE1-related disorders. ACMG/AMP Criteria applied: PVS1, PM2_supporting (Richards 2015).

Baylor Genetics
Classification: Likely pathogenic for Glycogen storage disease, type IV. Last evaluated: 2024-03-30. Review status: criteria provided, single submitter. Criteria: ACMG Guidelines, 2015. Collection method: clinical testing. Allele origin: unknown.

Labcorp Genetics (formerly Invitae), Labcorp
Classification: Likely pathogenic for Glycogen storage disease, type IV; Glycogen storage disease IV, classic hepatic. Last evaluated: 2023-11-06. Review status: criteria provided, single submitter. Criteria: Invitae Variant Classification Sherloc (09022015). Collection method: clinical testing. Allele origin: germline.
Comment: This sequence change affects a donor splice site in intron 14 of the GBE1 gene. It is expected to disrupt RNA splicing. Variants that disrupt the donor or acceptor splice site typically lead to a loss of protein function (PMID: 16199547), and loss-of-function variants in GBE1 are known to be pathogenic (PMID: 15452297, 20058079). This variant is not present in population databases (gnomAD no frequency). This variant has not been reported in the literature in individuals affected with GBE1-related conditions. ClinVar contains an entry for this variant (Variation ID: 1923913). Algorithms developed to predict the effect of sequence changes on RNA splicing suggest that this variant may disrupt the consensus splice site. In summary, the currently available evidence indicates that the variant is pathogenic, but additional data are needed to prove that conclusively. Therefore, this variant has been classified as Likely Pathogenic.

Blueprint Genetics
Classification: Likely pathogenic for GBE1-related disorders. Last evaluated: 2022-11-10. Review status: criteria provided, single submitter. Criteria: ACMG Guidelines, 2015. Collection method: clinical testing. Allele origin: germline. Affected: yes. Observed: 1 variant allele.

Literature cited by the submitters: PubMed 16199547 (cited by Labcorp Genetics (formerly Invitae), Labcorp); PubMed 15452297 (cited by Labcorp Genetics (formerly Invitae), Labcorp); PubMed 20058079 (cited by Labcorp Genetics (formerly Invitae), Labcorp).

NM_000158.4(GBE1):c.1934+2T>C

Gene: GBE1 (1,4-alpha-glucan branching enzyme 1; minus strand). Cytogenetic location: 3p12.2.
Variant type: single nucleotide variant.
Coding change: c.1934+2T>C on transcript NM_000158.4 (MANE Select); the canonical splice donor site of the intron after coding-DNA position 1934, T replaced by C.
Molecular consequence: splice donor variant.
Genome position (GRCh38, 1-based): chr3:81,535,193, A>G on the plus strand (T>C on the coding strand, the complement: GBE1 is on the minus strand). VCF-style: chr3-81535193-A-G. GRCh37 (hg19) VCF-style: chr3-81584344-A-G.
Identifiers: ClinVar variation 1923913 (VCV001923913.9), dbSNP rs752625236, ClinGen allele CA78280192.
Genomic context (GRCh38, chr3:81,535,193, plus strand): 5'-TCCTATAATGTAATAAAGAAGTGAATGTGGACAGTCATATTCACTGGTAACAAAAAGGAT[A>G]TTTCCCTGGCAATGCTGTTCCAACTCGGTAGTCAGTGTAGCTCTTGCTTGGATGGAAGTT-3'